The following is an entry in ClinVar:

NM_000065.5(C6):c.184G>T (p.Glu62Ter)

Gene: C6 (complement C6; minus strand). Cytogenetic location: 5p13.1.
Variant type: single nucleotide variant.
Coding change: c.184G>T on transcript NM_000065.5 (MANE Select); coding-DNA position 184, G replaced by T.
Protein change: p.Glu62Ter; replaces glutamic acid 62 with a stop codon.
Molecular consequence: nonsense.
Genome position (GRCh38, 1-based): chr5:41,201,674, C>A on the plus strand (G>T on the coding strand, the complement: C6 is on the minus strand). VCF-style: chr5-41201674-C-A. GRCh37 (hg19) VCF-style: chr5-41201776-C-A.
Other names: c.184G>T, p.Glu62Ter (NM_001115131.4); short protein forms E62*.
Identifiers: ClinVar variation 3675425 (VCV003675425.2).

ClinVar aggregate classification (germline): Pathogenic (1 of 4 stars; one submission).

gnomAD v4.1: 3 of 1,613,514 alleles (0.00019%); highest among the groups gnomAD compares: Non-Finnish European, 0.00025%; no homozygotes.

Submission:

Labcorp Genetics (formerly Invitae), Labcorp
Classification: Pathogenic. Last evaluated: 2024-12-08. Review status: criteria provided, single submitter. Criteria: Invitae Variant Classification Sherloc (09022015). Collection method: clinical testing. Allele origin: germline.
Comment: This sequence change creates a premature translational stop signal (p.Glu62*) in the C6 gene. It is expected to result in an absent or disrupted protein product. Loss-of-function variants in C6 are known to be pathogenic (PMID: 17257682). This variant is present in population databases (no rsID available, gnomAD 0.01%). This variant has not been reported in the literature in individuals affected with C6-related conditions. Algorithms developed to predict the effect of sequence changes on RNA splicing suggest that this variant may disrupt the consensus splice site. For these reasons, this variant has been classified as Pathogenic.

Literature cited by the submitters: PubMed 17257682.